The following is an entry in ClinVar:

NM_016219.5(MAN1B1):c.1648C>G (p.Gln550Glu)

Gene: MAN1B1 (mannosidase alpha class 1B member 1; plus strand). Cytogenetic location: 9q34.3.
Variant type: single nucleotide variant.
Coding change: c.1648C>G on transcript NM_016219.5 (MANE Select); coding-DNA position 1648, C replaced by G.
Protein change: p.Gln550Glu; replaces glutamine 550 with glutamic acid.
Molecular consequence: missense variant. On other transcripts: non-coding transcript variant (2).
Genome position (GRCh38, 1-based): chr9:137,107,331, C>G. VCF-style: chr9-137107331-C-G. GRCh37 (hg19) VCF-style: chr9-140001783-C-G.
Other names: c.1540C>G, p.Gln514Glu (NM_007230.1); short protein forms Q514E, Q550E.
Identifiers: ClinVar variation 1989776 (VCV001989776.4), dbSNP rs746651255, ClinGen allele CA5359320.

ClinVar aggregate classification (germline): Uncertain significance (1 of 4 stars; one submission).

Conditions:
Rafiq syndrome (RAFQS). Identifiers: Orphanet 88616, MedGen C3280127, MONDO:0013624, OMIM 614202.

Allele frequency attached by ClinVar (database versions not stated): TOPMed below 0.00001; ExAC 0.00001; gnomAD exomes 0.00001.
gnomAD v4.1: 18 of 1,613,280 alleles (0.0011%); highest among the groups gnomAD compares: Non-Finnish European, 0.0015%; no homozygotes.

Submission:

Labcorp Genetics (formerly Invitae), Labcorp
Classification: Uncertain significance for Rafiq syndrome. Last evaluated: 2026-01-19. Review status: criteria provided, single submitter. Criteria: Invitae Variant Classification Sherloc (09022015). Collection method: clinical testing. Allele origin: germline.
Comment: This sequence change replaces glutamine, which is neutral and polar, with glutamic acid, which is acidic and polar, at codon 550 of the MAN1B1 protein (p.Gln550Glu). This variant is present in population databases (rs746651255, gnomAD 0.002%). This variant has not been reported in the literature in individuals affected with MAN1B1-related conditions. ClinVar contains an entry for this variant (Variation ID: 1989776). An algorithm developed to predict the effect of missense changes on protein structure and function (PolyPhen-2) suggests that this variant is likely to be tolerated. In summary, the available evidence is currently insufficient to determine the role of this variant in disease. Therefore, it has been classified as a Variant of Uncertain Significance.